The following is an entry in ClinVar:

NM_001035.3(RYR2):c.598A>G (p.Ser200Gly)

Gene: RYR2 (ryanodine receptor 2; plus strand). Cytogenetic location: 1q43.
Variant type: single nucleotide variant.
Coding change: c.598A>G on transcript NM_001035.3 (MANE Select); coding-DNA position 598, A replaced by G.
Protein change: p.Ser200Gly; replaces serine 200 with glycine.
Molecular consequence: missense variant.
Genome position (GRCh38, 1-based): chr1:237,387,302, A>G. VCF-style: chr1-237387302-A-G. GRCh37 (hg19) VCF-style: chr1-237550602-A-G.
Other names: short protein forms S200G.
Identifiers: ClinVar variation 1750879 (VCV001750879.2), dbSNP rs2530194957, ClinGen allele CA345377218.
Genomic context (GRCh38, chr1:237,387,302, plus strand): 5'-AGAGCCTGAAGTGATGCCTCCTTTTGCCTCTTGATACAGCACTTGTCTTATGGCAACGGC[A>G]GCTTACACGTGGATGCCGCTTTCCAGCAGACTCTCTGGAGCGTGGCCCCAATCAGCTCAG-3'
Protein context (NP_001026.2, residues 190-210): RYLHLSYGNG[Ser200Gly]LHVDAAFQQT

ClinVar aggregate classification (germline): Uncertain significance (1 of 4 stars; one submission).

Conditions:
Cardiovascular phenotype. Identifiers: MedGen CN230736.

Submission:

Ambry Genetics
Classification: Uncertain significance for Cardiovascular phenotype. Last evaluated: 2021-06-01. Review status: criteria provided, single submitter. Criteria: Ambry Variant Classification Scheme 2023. Collection method: clinical testing. Allele origin: germline.
Comment: The p.S200G variant (also known as c.598A>G), located in coding exon 9 of the RYR2 gene, results from an A to G substitution at nucleotide position 598. The serine at codon 200 is replaced by glycine, an amino acid with similar properties. This amino acid position is not well conserved in available vertebrate species. In addition, the in silico prediction for this alteration is inconclusive. Since supporting evidence is limited at this time, the clinical significance of this alteration remains unclear.